The following is an entry in ClinVar:

ClinVar aggregate classification (germline): Uncertain significance (1 of 4 stars; one submission).

Conditions:
Hereditary cancer-predisposing syndrome. Also called: Neoplastic Syndromes, Hereditary; Tumor predisposition; Hereditary neoplastic syndrome; Hereditary Cancer Syndrome. Identifiers: Orphanet 140162, MedGen C0027672, MeSH D009386, MONDO:0015356.

Submission:

Ambry Genetics
Classification: Uncertain significance for Hereditary cancer-predisposing syndrome. Last evaluated: 2024-03-19. Review status: criteria provided, single submitter. Criteria: Ambry Variant Classification Scheme 2023. Collection method: clinical testing. Allele origin: germline.
Comment: The p.I1242V variant (also known as c.3724A>G), located in coding exon 24 of the RAD50 gene, results from an A to G substitution at nucleotide position 3724. The isoleucine at codon 1242 is replaced by valine, an amino acid with highly similar properties. This amino acid position is highly conserved in available vertebrate species. In addition, the in silico prediction for this alteration is inconclusive. Since supporting evidence is limited at this time, the clinical significance of this alteration remains unclear.

NM_005732.4(RAD50):c.3724A>G (p.Ile1242Val)

Genes: TH2-LCR (Th2 cytokine locus control region; plus strand), TH2LCRR (T helper type 2 locus control region associated RNA; minus strand), RAD50 (RAD50 double strand break repair protein; plus strand). Cytogenetic location: 5q31.1.
Variant type: single nucleotide variant.
Coding change: c.3724A>G on transcript NM_005732.4 (MANE Select); coding-DNA position 3724, A replaced by G.
Protein change: p.Ile1242Val; replaces isoleucine 1242 with valine.
Molecular consequence: missense variant.
Genome position (GRCh38, 1-based): chr5:132,640,777, A>G. VCF-style: chr5-132640777-A-G. GRCh37 (hg19) VCF-style: chr5-131976469-A-G.
Other names: short protein forms I1242V.
Identifiers: ClinVar variation 824128 (VCV000824128.4), dbSNP rs1581023817, ClinGen allele CA360934799.